The following is an entry in ClinVar:

NM_001378454.1(ALMS1):c.12251G>T (p.Arg4084Met)

Genes: ALMS1 (ALMS1 centrosome and basal body associated protein; plus strand), LOC126806252 (BRD4-independent group 4 enhancer GRCh37_chr2:73828496-73829695; plus strand). Cytogenetic location: 2p13.1.
Variant type: single nucleotide variant.
Coding change: c.12251G>T on transcript NM_001378454.1 (MANE Select); coding-DNA position 12251, G replaced by T.
Protein change: p.Arg4084Met; replaces arginine 4084 with methionine.
Molecular consequence: missense variant.
Genome position (GRCh38, 1-based): chr2:73,602,321, G>T. VCF-style: chr2-73602321-G-T. GRCh37 (hg19) VCF-style: chr2-73829448-G-T.
Other names: c.12254G>T, p.Arg4085Met (NM_015120.4); short protein forms R4085M, R4084M.
Identifiers: ClinVar variation 390736 (VCV000390736.31), dbSNP rs375314465, ClinGen allele CA1715494.

ClinVar aggregate classification (germline): Uncertain significance. Review status: criteria provided, multiple submitters, no conflicts (2 of 4 stars). 10 submissions from 10 submitters: Uncertain significance (8). 2 of the submissions do not count toward it. Last evaluated 2026-06-08.

Conditions:
Alstrom syndrome (ALMS). Identifiers: Orphanet 64, MedGen C0268425, MONDO:0008763, OMIM 203800.
Cardiovascular phenotype. Identifiers: MedGen CN230736.

Allele frequency attached by ClinVar (database versions not stated): ESP Exome Variant Server 0.00015; TOPMed 0.00015; gnomAD 0.00011 and 0.00012.
gnomAD v4.1: 40 of 1,614,080 alleles (0.0025%); highest among the groups gnomAD compares: African/African-American, 0.029%; no homozygotes.

Submissions (10):

Women's Health and Genetics/Laboratory Corporation of America, LabCorp
Classification: Uncertain significance. Last evaluated: 2026-06-08. Review status: criteria provided, single submitter. Criteria: LabCorp Variant Classification Summary - May 2015. Collection method: clinical testing. Allele origin: germline.
Comment: Variant summary: ALMS1 c.12248G>T (p.Arg4083Met) results in a non-conservative amino acid change in the encoded protein sequence. Algorithms developed to predict the effect of missense changes on protein structure and function are either unavailable or do not agree on the potential impact of this missense change. The variant allele was found at a frequency of 2.8e-05 in 251392 control chromosomes. The available data on variant occurrences in the general population are insufficient to allow any conclusion about variant significance. To our knowledge, no occurrence of c.12248G>T in individuals affected with ALMS1-related conditions and no experimental evidence demonstrating its impact on protein function have been reported. The following publication has been ascertained in the context of this evaluation (PMID: 25846608). ClinVar contains an entry for this variant (Variation ID: 390736). Based on the evidence outlined above, the variant was classified as uncertain significance.

Ambry Genetics
Classification: Uncertain significance for Cardiovascular phenotype. Last evaluated: 2025-09-24. Review status: criteria provided, single submitter. Criteria: Ambry Variant Classification Scheme 2023. Collection method: clinical testing. Allele origin: germline.
Comment: The p.R4085M variant (also known as c.12254G>T), located in coding exon 20 of the ALMS1 gene, results from a G to T substitution at nucleotide position 12254. The arginine at codon 4085 is replaced by methionine, an amino acid with similar properties. This variant has been detected in the heterozygous state in an individual from a suspected Alstrom syndrome cohort; however, additional details were limited (Marshall JD et al. Hum Mutat. 2015 Jul;36(7):660-8). This amino acid position is poorly conserved in available vertebrate species. In addition, this alteration is predicted to be tolerated by in silico analysis. Based on the available evidence, the clinical significance of this variant remains unclear.

CeGaT Center for Human Genetics Tuebingen
Classification: Uncertain significance. Last evaluated: 2024-09-01. Review status: criteria provided, single submitter. Criteria: CeGaT Center For Human Genetics Tuebingen Variant Classification Criteria Version 2. Collection method: clinical testing. Allele origin: germline. Affected: yes. Observed: 1 variant allele.
Comment: ALMS1: PM2, BP4

Blueprint Genetics
Classification: Uncertain significance. Last evaluated: 2024-04-17. Review status: criteria provided, single submitter. Criteria: ACMG Guidelines, 2015. Collection method: clinical testing. Allele origin: germline.

Labcorp Genetics (formerly Invitae), Labcorp
Classification: Uncertain significance for Alstrom syndrome. Last evaluated: 2022-10-24. Review status: criteria provided, single submitter. Criteria: Invitae Variant Classification Sherloc (09022015). Collection method: clinical testing. Allele origin: germline.
Comment: This sequence change replaces arginine, which is basic and polar, with methionine, which is neutral and non-polar, at codon 4085 of the ALMS1 protein (p.Arg4085Met). This variant is present in population databases (rs375314465, gnomAD 0.03%). This variant has not been reported in the literature in individuals affected with ALMS1-related conditions. ClinVar contains an entry for this variant (Variation ID: 390736). Experimental studies and prediction algorithms are not available or were not evaluated, and the functional significance of this variant is currently unknown. In summary, the available evidence is currently insufficient to determine the role of this variant in disease. Therefore, it has been classified as a Variant of Uncertain Significance.

GeneDx
Classification: Uncertain significance. Last evaluated: 2022-06-08. Review status: criteria provided, single submitter. Criteria: GeneDx Variant Classification Process June 2021. Collection method: clinical testing. Allele origin: germline. Affected: yes.
Comment: Has not been previously published as pathogenic or benign to our knowledge; In silico analysis supports that this missense variant does not alter protein structure/function

Fulgent Genetics
Classification: Uncertain significance for Alstrom syndrome. Last evaluated: 2022-03-10. Review status: criteria provided, single submitter. Criteria: ACMG Guidelines, 2015. Collection method: clinical testing. Allele origin: unknown.

Breakthrough Genomics
Classification: Uncertain significance. Review status: criteria provided, single submitter. Criteria: ACMG Guidelines, 2015. Collection method: not provided. Allele origin: germline. Inheritance: Autosomal recessive inheritance. Affected: yes.

Natera, Inc.
Classification: Uncertain significance for Alstrom syndrome. Last evaluated: 2020-09-16. Review status: no assertion criteria provided. Collection method: clinical testing. Allele origin: germline. Not counted in ClinVar's aggregate classification.

Counsyl
Classification: Uncertain significance for Alstrom syndrome. Last evaluated: 2017-10-27. Review status: no assertion criteria provided. Collection method: clinical testing. Allele origin: unknown. Not counted in ClinVar's aggregate classification.

Literature cited by the submitters: PubMed 25846608 (cited by Women's Health and Genetics/Laboratory Corporation of America, LabCorp and Ambry Genetics).